The following is an entry in ClinVar:

NM_004312.3(ARR3):c.330C>A (p.Tyr110Ter)

Gene: ARR3 (arrestin 3; plus strand). Cytogenetic location: Xq13.1.
Variant type: single nucleotide variant.
Coding change: c.330C>A on transcript NM_004312.3 (MANE Select); coding-DNA position 330, C replaced by A.
Protein change: p.Tyr110Ter; replaces tyrosine 110 with a stop codon.
Molecular consequence: nonsense.
Genome position (GRCh38, 1-based): chrX:70,276,266, C>A. VCF-style: chrX-70276266-C-A. GRCh37 (hg19) VCF-style: chrX-69496116-C-A.
Other names: short protein forms Y110*.
Identifiers: ClinVar variation 3032603 (VCV003032603.2), dbSNP rs2520927898, ClinGen allele CA413475861.

ClinVar aggregate classification (germline): Likely pathogenic (0 of 4 stars; one submission).

Conditions:
ARR3-related disorder. Also called: ARR3-related condition.

Submission:

PreventionGenetics, part of Exact Sciences
Classification: Likely pathogenic for ARR3-related condition. Last evaluated: 2023-11-13. Review status: no assertion criteria provided. Collection method: clinical testing. Allele origin: germline.
Comment: The ARR3 c.330C>A variant is predicted to result in premature protein termination (p.Tyr110*). To our knowledge, this variant has not been reported in the literature or in a large population database, indicating this variant is rare. Nonsense variants in ARR3 are expected to be pathogenic. We interpret this variant as likely pathogenic.